The following is an entry in ClinVar:

ClinVar aggregate classification (germline): Conflicting classifications of pathogenicity. Review status: criteria provided, conflicting classifications (1 of 4 stars). 2 submissions from 2 submitters: Pathogenic (1); Uncertain significance (1). Last evaluated 2025-01-13.

Conditions:
Hypotonia, infantile, with psychomotor retardation and characteristic facies 3 (IHPRF3). Also called: TBCK-Related Neurodevelopmental Disorder. Identifiers: Orphanet 488632, MedGen C5567480, MONDO:0014823, OMIM 616900.

Allele frequency attached by ClinVar (database versions not stated): gnomAD exomes below 0.00001.

Submissions (2):

Broad Center for Mendelian Genomics, Broad Institute of MIT and Harvard
Classification: Uncertain significance for Hypotonia, infantile, with psychomotor retardation and characteristic facies 3. Last evaluated: 2025-01-13. Review status: criteria provided, single submitter. Criteria: ACMG Guidelines, 2015. Collection method: curation. Allele origin: germline. Inheritance: Autosomal recessive inheritance.
Comment: The p.Trp626Cys variant in TBCK has not been previously reported in the literature in individuals with TBCK-related intellectual disability syndrome, but has been identified in 0.00009% (1/1170200) of European (non-Finnish) chromosomes by the Genome Aggregation Database (gnomAD; dbSNP rs1579198447). Although this variant has been seen in the general population in a heterozygous state, its frequency is low enough to be consistent with a recessive carrier frequency. This variant has also been reported in ClinVar (Variation ID: 807703) and has been interpreted as pathogenic by Institute of Human Genetics Munich (Klinikum Rechts Der Isar, TU M√ºnchen). Computational prediction tools and conservation analyses suggest that this variant may impact the protein, though this information is not predictive enough to determine pathogenicity. In summary, the clinical significance of the p.Trp626Cys variant is uncertain. ACMG/AMP Criteria applied: PP3, PM2_supporting (Richards 2015).

Institute of Human Genetics Munich, TUM University Hospital
Classification: Pathogenic for Hypotonia, infantile, with psychomotor retardation and characteristic facies 3. Last evaluated: 2019-06-11. Review status: criteria provided, single submitter. Criteria: Classification criteria August 2017. Collection method: clinical testing. Allele origin: inherited. Inheritance: Autosomal recessive inheritance. Affected: yes. Observed: 1 homozygote.

NM_001163435.3(TBCK):c.1878G>T (p.Trp626Cys)

Gene: TBCK (TBC1 domain containing kinase; minus strand). Cytogenetic location: 4q24.
Variant type: single nucleotide variant.
Coding change: c.1878G>T on transcript NM_001163435.3 (MANE Select); coding-DNA position 1878, G replaced by T.
Protein change: p.Trp626Cys; replaces tryptophan 626 with cysteine.
Molecular consequence: missense variant.
Genome position (GRCh38, 1-based): chr4:106,194,737, C>A on the plus strand (G>T on the coding strand, the complement: TBCK is on the minus strand). VCF-style: chr4-106194737-C-A. GRCh37 (hg19) VCF-style: chr4-107115894-C-A.
Other names: NM_001163435.3(TBCK):c.1878G>T; p.Trp626Cys; c.1878G>T, p.Trp626Cys (NM_001163436.4); c.1761G>T, p.Trp587Cys (NM_001163437.3); c.1362G>T, p.Trp454Cys (NM_001290768.2); c.1689G>T, p.Trp563Cys (NM_033115.5); short protein forms W626C, W454C, W563C, W587C.
Identifiers: ClinVar variation 807703 (VCV000807703.3), dbSNP rs1579198447, ClinGen allele CA357821555.